The following is an entry in ClinVar:

NM_024741.3(ZNF408):c.109dup (p.Thr37fs)

Gene: ZNF408 (zinc finger protein 408; plus strand). Cytogenetic location: 11p11.2.
Variant type: Duplication.
Coding change: c.109dup on transcript NM_024741.3 (MANE Select); coding-DNA position 109, one base duplicated (A; older notation c.109dupA).
Protein change: p.Thr37fs; shifts the reading frame from threonine 37.
Molecular consequence: frameshift variant.
Genome position (GRCh38, 1-based): chr11:46,701,455, A duplicated. VCF-style (leftmost placement, unchanged base first): chr11-46701454-T-TA. GRCh37 (hg19) VCF-style: chr11-46723004-T-TA.
Other names: c.85dup, p.Thr29fs (NM_001184751.2); short protein forms T29fs, T37fs.
Identifiers: ClinVar variation 1061746 (VCV001061746.7), dbSNP rs2134505089, ClinGen allele CA2499220955.

ClinVar aggregate classification (germline): Uncertain significance (1 of 4 stars; one submission).

Submission:

Labcorp Genetics (formerly Invitae), Labcorp
Classification: Uncertain significance. Last evaluated: 2025-03-17. Review status: criteria provided, single submitter. Criteria: Invitae Variant Classification Sherloc (09022015). Collection method: clinical testing. Allele origin: germline.
Comment: This sequence change creates a premature translational stop signal (p.Thr37Asnfs*88) in the ZNF408 gene. It is expected to result in an absent or disrupted protein product. However, the current clinical and genetic evidence is not sufficient to establish whether loss-of-function variants in ZNF408 cause disease. This variant is not present in population databases (gnomAD no frequency). This variant has not been reported in the literature in individuals affected with ZNF408-related conditions. ClinVar contains an entry for this variant (Variation ID: 1061746). In summary, the available evidence is currently insufficient to determine the role of this variant in disease. Therefore, it has been classified as a Variant of Uncertain Significance.